The following is an entry in ClinVar:

ClinVar aggregate classification (germline): Uncertain significance (1 of 4 stars; one submission).

Conditions:
Candidiasis, familial, 6 (CANDF6). Also called: Candidiasis, familial, 6, autosomal dominant. Identifiers: Orphanet 1334, MedGen C3151405, MONDO:0013503, OMIM 613956.

Allele frequency attached by ClinVar (database versions not stated): ExAC 0.00001; gnomAD exomes 0.00001; gnomAD 0.00002; TOPMed 0.00002.
gnomAD v4.1: 21 of 1,612,096 alleles (0.0013%); highest among the groups gnomAD compares: East Asian, 0.0022%; no homozygotes.

Submission:

Labcorp Genetics (formerly Invitae), Labcorp
Classification: Uncertain significance for Candidiasis, familial, 6. Last evaluated: 2022-12-25. Review status: criteria provided, single submitter. Criteria: Invitae Variant Classification Sherloc (09022015). Collection method: clinical testing. Allele origin: germline.
Comment: Algorithms developed to predict the effect of missense changes on protein structure and function (SIFT, PolyPhen-2, Align-GVGD) all suggest that this variant is likely to be tolerated. This missense change has been observed in individual(s) with common variable immunodeficiency (PMID: 32047491). This variant is present in population databases (rs747960305, gnomAD 0.01%). This sequence change replaces threonine, which is neutral and polar, with isoleucine, which is neutral and non-polar, at codon 85 of the IL17F protein (p.Thr85Ile). In summary, the available evidence is currently insufficient to determine the role of this variant in disease. Therefore, it has been classified as a Variant of Uncertain Significance.

Literature cited by the submitters: PubMed 32047491.

NM_052872.4(IL17F):c.254C>T (p.Thr85Ile)

Gene: IL17F (interleukin 17F; minus strand). Cytogenetic location: 6p12.2.
Variant type: single nucleotide variant.
Coding change: c.254C>T on transcript NM_052872.4 (MANE Select); coding-DNA position 254, C replaced by T.
Protein change: p.Thr85Ile; replaces threonine 85 with isoleucine.
Molecular consequence: missense variant.
Genome position (GRCh38, 1-based): chr6:52,238,730, G>A on the plus strand (C>T on the coding strand, the complement: IL17F is on the minus strand). VCF-style: chr6-52238730-G-A. GRCh37 (hg19) VCF-style: chr6-52103528-G-A.
Other names: short protein forms T85I.
Identifiers: ClinVar variation 2899423 (VCV002899423.3), dbSNP rs747960305, ClinGen allele CA3854412.